The following is an entry in ClinVar:

NM_021620.4(PRDM13):c.1273C>A (p.Pro425Thr)

Gene: PRDM13 (PR/SET domain 13; plus strand). Cytogenetic location: 6q16.2.
Variant type: single nucleotide variant.
Coding change: c.1273C>A on transcript NM_021620.4 (MANE Select); coding-DNA position 1273, C replaced by A.
Protein change: p.Pro425Thr; replaces proline 425 with threonine.
Molecular consequence: missense variant.
Genome position (GRCh38, 1-based): chr6:99,613,908, C>A. VCF-style: chr6-99613908-C-A. GRCh37 (hg19) VCF-style: chr6-100061784-C-A.
Other names: c.1273C>A (NM_021620.3); short protein forms P425T.
Identifiers: ClinVar variation 3705434 (VCV003705434.3).

ClinVar aggregate classification (germline): Uncertain significance. Review status: criteria provided, multiple submitters, no conflicts (2 of 4 stars). 2 submissions from 2 submitters: Uncertain significance (2). Last evaluated 2025-03-26.

Conditions:
Inborn genetic diseases. Identifiers: MedGen C0950123, MeSH D030342.

gnomAD v4.1: 18 of 1,583,942 alleles (0.0011%); highest among the groups gnomAD compares: Non-Finnish European, 0.0015%; no homozygotes.

Submissions (2):

Ambry Genetics
Classification: Uncertain significance for Inborn genetic diseases. Last evaluated: 2025-03-26. Review status: criteria provided, single submitter. Criteria: Ambry Variant Classification Scheme 2023. Collection method: clinical testing. Allele origin: germline.

Labcorp Genetics (formerly Invitae), Labcorp
Classification: Uncertain significance. Last evaluated: 2024-06-05. Review status: criteria provided, single submitter. Criteria: Invitae Variant Classification Sherloc (09022015). Collection method: clinical testing. Allele origin: germline.
Comment: This sequence change replaces proline, which is neutral and non-polar, with threonine, which is neutral and polar, at codon 425 of the PRDM13 protein (p.Pro425Thr). This variant is present in population databases (rs776956908, gnomAD 0.003%). This variant has not been reported in the literature in individuals affected with PRDM13-related conditions. An algorithm developed to predict the effect of missense changes on protein structure and function (PolyPhen-2) suggests that this variant is likely to be tolerated. In summary, the available evidence is currently insufficient to determine the role of this variant in disease. Therefore, it has been classified as a Variant of Uncertain Significance.